The following is an entry in ClinVar:

ClinVar aggregate classification (germline): Uncertain significance. Review status: criteria provided, multiple submitters, no conflicts (2 of 4 stars). 2 submissions from 2 submitters: Uncertain significance (2). Last evaluated 2023-11-22.

Conditions:
Premature coronary artery atherosclerosis. Identifiers: MedGen C1867743, HP:0005181.
Cholestanol storage disease (CTX). Also called: CTX: Cerebrotendinous xanthomatosis; Cerebrotendinous Xanthomatosis; CEREBRAL CHOLESTERINOSIS. Identifiers: Orphanet 909, MedGen C0238052, MONDO:0008948, OMIM 213700.

Allele frequency attached by ClinVar (database versions not stated): gnomAD exomes below 0.00001.

Submissions (2):

Genetics Research Center, University of Social Welfare and Rehabilitation Sciences
Classification: Uncertain significance for Premature coronary artery atherosclerosis. Last evaluated: 2023-11-22. Review status: criteria provided, single submitter. Criteria: ACMG Guidelines, 2015. Collection method: research. Allele origin: germline. Affected: yes. Observed: 3 variant alleles.

Labcorp Genetics (formerly Invitae), Labcorp
Classification: Uncertain significance for Cholestanol storage disease. Last evaluated: 2021-09-01. Review status: criteria provided, single submitter. Criteria: Invitae Variant Classification Sherloc (09022015). Collection method: clinical testing. Allele origin: germline.
Comment: This sequence change replaces alanine with glycine at codon 111 of the CYP27A1 protein (p.Ala111Gly). The alanine residue is highly conserved and there is a small physicochemical difference between alanine and glycine. This variant is not present in population databases (ExAC no frequency). This variant has not been reported in the literature in individuals affected with CYP27A1-related conditions. Advanced modeling of protein sequence and biophysical properties (such as structural, functional, and spatial information, amino acid conservation, physicochemical variation, residue mobility, and thermodynamic stability) performed at Invitae indicates that this missense variant is not expected to disrupt CYP27A1 protein function. In summary, the available evidence is currently insufficient to determine the role of this variant in disease. Therefore, it has been classified as a Variant of Uncertain Significance.

NM_000784.4(CYP27A1):c.332C>G (p.Ala111Gly)

Gene: CYP27A1 (cytochrome P450 family 27 subfamily A member 1; plus strand). Cytogenetic location: 2q35.
Variant type: single nucleotide variant.
Coding change: c.332C>G on transcript NM_000784.4 (MANE Select); coding-DNA position 332, C replaced by G.
Protein change: p.Ala111Gly; replaces alanine 111 with glycine.
Molecular consequence: missense variant.
Genome position (GRCh38, 1-based): chr2:218,809,653, C>G. VCF-style: chr2-218809653-C-G. GRCh37 (hg19) VCF-style: chr2-219674376-C-G.
Other names: short protein forms A111G.
Identifiers: ClinVar variation 1518043 (VCV001518043.5), dbSNP rs1441761338, ClinGen allele CA350583274.
Genomic context (GRCh38, chr2:218,809,653, plus strand): 5'-AGTACGGTCCAATGTGGATGTCCTACTTAGGGCCTCAGATGCACGTGAACCTGGCCAGTG[C>G]CCCGCTCTTGGAGCAAGTGATGCGGCAAGAGGGCAAGTACCCAGTACGGAACGACATGGA-3'
Protein context (NP_000775.1, residues 101-121): GPQMHVNLAS[Ala111Gly]PLLEQVMRQE